The following is an entry in ClinVar:

ClinVar aggregate classification (germline): Uncertain significance. Review status: criteria provided, multiple submitters, no conflicts (2 of 4 stars). 2 submissions from 2 submitters: Uncertain significance (2). Last evaluated 2024-08-21.

Conditions:
Loeys-Dietz syndrome (LDS). Identifiers: Orphanet 60030, MedGen C2697932, MONDO:0018954.
Familial thoracic aortic aneurysm and aortic dissection (TAAD). Also called: Thoracic aortic aneurysms and dissections. Identifiers: Orphanet 91387, MedGen C4707243, MONDO:0019625.

Submissions (2):

Labcorp Genetics (formerly Invitae), Labcorp
Classification: Uncertain significance for Familial thoracic aortic aneurysm and aortic dissection. Last evaluated: 2024-08-21. Review status: criteria provided, single submitter. Criteria: Invitae Variant Classification Sherloc (09022015). Collection method: clinical testing. Allele origin: germline.
Comment: This sequence change replaces leucine, which is neutral and non-polar, with valine, which is neutral and non-polar, at codon 254 of the TGFBR1 protein (p.Leu254Val). This variant is not present in population databases (gnomAD no frequency). This variant has not been reported in the literature in individuals affected with TGFBR1-related conditions. Invitae Evidence Modeling of protein sequence and biophysical properties (such as structural, functional, and spatial information, amino acid conservation, physicochemical variation, residue mobility, and thermodynamic stability) indicates that this missense variant is expected to disrupt TGFBR1 protein function with a positive predictive value of 80%. Algorithms developed to predict the effect of sequence changes on RNA splicing suggest that this variant may create or strengthen a splice site. In summary, the available evidence is currently insufficient to determine the role of this variant in disease. Therefore, it has been classified as a Variant of Uncertain Significance.

All of Us Research Program, National Institutes of Health
Classification: Uncertain significance for Loeys-Dietz syndrome. Last evaluated: 2023-06-26. Review status: criteria provided, single submitter. Criteria: ACMG Guidelines, 2015. Collection method: clinical testing. Allele origin: germline. Inheritance: Autosomal dominant inheritance. Observed: 1 variant allele, 1 heterozygote.
Comment: This missense variant replaces leucine with valine at codon 254 of the TGFBR1 protein. Computational prediction is inconclusive regarding the impact of this variant on protein structure and function (internally defined REVEL score threshold 0.5 < inconclusive < 0.7, PMID: 27666373). To our knowledge, functional studies have not been reported for this variant. This variant has not been reported in individuals affected with TGFBR1-related disorders in the literature. This variant has not been identified in the general population by the Genome Aggregation Database (gnomAD). The available evidence is insufficient to determine the role of this variant in disease conclusively. Therefore, this variant is classified as a Variant of Uncertain Significance.

This study involves interpretation of variants in research participants for the purpose of population health screening. Participant phenotype was not available at the time of variant classification. Additional details can be found in publication PMID: 35346344, PMCID: PMC8962531

NM_004612.4(TGFBR1):c.760T>G (p.Leu254Val)

Gene: TGFBR1 (transforming growth factor beta receptor 1; plus strand). Cytogenetic location: 9q22.33.
Variant type: single nucleotide variant.
Coding change: c.760T>G on transcript NM_004612.4 (MANE Select); coding-DNA position 760, T replaced by G.
Protein change: p.Leu254Val; replaces leucine 254 with valine.
Molecular consequence: missense variant. On other transcripts: intron variant (2), non-coding transcript variant (4).
Genome position (GRCh38, 1-based): chr9:99,138,044, T>G. VCF-style: chr9-99138044-T-G. GRCh37 (hg19) VCF-style: chr9-101900326-T-G.
Other names: c.98-4492T>G (NM_001407437.1); c.529T>G, p.Leu177Val (NM_001130916.3); c.772T>G, p.Leu258Val (NM_001306210.2, NM_001407416.1); c.760T>G, p.Leu254Val (NM_001407417.1); c.565T>G, p.Leu189Val (NM_001407418.1, NM_001407419.1, NM_001407420.1 and 1 more transcripts); c.553T>G, p.Leu185Val (NM_001407423.1, NM_001407424.1, NM_001407425.1 and 8 more transcripts); c.514T>G, p.Leu172Val (NM_001407436.1); c.283T>G, p.Leu95Val (NM_001407438.1); and 1 more; short protein forms L172V, L177V, L185V, L189V, L254V, L258V, L95V.
Identifiers: ClinVar variation 3071947 (VCV003071947.2), dbSNP rs777077652, ClinGen allele CA374230210.
Genomic context (GRCh38, chr9:99,138,044, plus strand): 5'-TTCTCCTCTAGAGAAGAACGTTCGTGGTTCCGTGAGGCAGAGATTTATCAAACTGTAATG[T>G]TACGTCATGAAAACATCCTGGGATTTATAGCAGCAGACAATAAAGGTCTGTAACATTTGC-3'
Protein context (NP_004603.1, residues 244-264): REAEIYQTVM[Leu254Val]RHENILGFIA